The following is an entry in ClinVar:

ClinVar aggregate classification (germline): Likely benign. Review status: criteria provided, multiple submitters, no conflicts (2 of 4 stars). 2 submissions from 2 submitters: Likely benign (2). Last evaluated 2025-04-18.

Conditions:
Perry syndrome. Also called: PARKINSONISM WITH ALVEOLAR HYPOVENTILATION AND MENTAL DEPRESSION. Identifiers: Orphanet 178509, MedGen C1868594, MONDO:0008201, OMIM 168605.
Amyotrophic lateral sclerosis type 1 (ALS1). Also called: AMYOTROPHIC LATERAL SCLEROSIS 1, FAMILIAL. Identifiers: Orphanet 803, MedGen C1862939, MONDO:0007103, OMIM 105400.
Neuronopathy, distal hereditary motor, type 7B. Also called: Distal Hereditary Motor Neuronopathy Type 7B (dHMN7B); NEURONOPATHY, DISTAL HEREDITARY MOTOR, AUTOSOMAL DOMINANT 14; NEURONOPATHY, DISTAL HEREDITARY MOTOR, HARDING TYPE VIIB; NEUROPATHY, DISTAL HEREDITARY MOTOR, HARDING TYPE VIIB; NEUROPATHY, DISTAL HEREDITARY MOTOR, WITH VOCAL CORD PARALYSIS, HARDING TYPE VIIB; HMN VIIB. Identifiers: Orphanet 139589, MedGen C1843315, MONDO:0011879, OMIM 607641.
DCTN1-related disorder. Also called: DCTN1-related condition.

Submissions (2):

Labcorp Genetics (formerly Invitae), Labcorp
Classification: Likely benign for Amyotrophic lateral sclerosis type 1; Neuronopathy, distal hereditary motor, type 7B; Perry syndrome. Last evaluated: 2025-04-18. Review status: criteria provided, single submitter. Criteria: Invitae Variant Classification Sherloc (09022015). Collection method: clinical testing. Allele origin: germline.

PreventionGenetics, part of Exact Sciences
Classification: Likely benign for DCTN1-related condition. Last evaluated: 2025-03-12. Review status: criteria provided, single submitter. Criteria: ACMG Guidelines, 2015. Collection method: clinical testing. Allele origin: germline.
Comment: This variant is classified as likely benign based on ACMG/AMP sequence variant interpretation guidelines (Richards et al. 2015 PMID: 25741868, with internal and published modifications).

NM_004082.5(DCTN1):c.1393-4del

Gene: DCTN1 (dynactin subunit 1; minus strand). Cytogenetic location: 2p13.1.
Variant type: Deletion.
Coding change: c.1393-4del on transcript NM_004082.5 (MANE Select); 4 bases into the intron before coding-DNA position 1393, one base deleted (C; older notation c.1393-4delC).
Molecular consequence: intron variant.
Genome position (GRCh38, 1-based): chr2:74,369,495, G deleted on the plus strand (C on the coding strand, the reverse complement: DCTN1 is on the minus strand); the first of 2 consecutive G bases (chr2:74,369,495-74,369,496); deleting either gives the same sequence. VCF-style (leftmost placement, unchanged base first): chr2-74369494-AG-A. GRCh37 (hg19) VCF-style: chr2-74596621-AG-A.
Other names: c.1393-4delC (NM_004082.4); c.1282-4del (NM_001190836.2); c.1324-4del (NM_001378992.1); c.1342-4del (NM_001378991.1); c.1333-4del (NM_001135040.3); c.1372-4del (NM_001190837.2); c.991-4del (NM_001135041.3, NM_023019.4).
Identifiers: ClinVar variation 2925228 (VCV002925228.4), dbSNP rs1674671209, ClinGen allele CA1032268728.